The following is an entry in ClinVar:

NM_000264.5(PTCH1):c.3650G>C (p.Gly1217Ala)

Gene: PTCH1 (patched 1; minus strand). Cytogenetic location: 9q22.32.
Variant type: single nucleotide variant.
Coding change: c.3650G>C on transcript NM_000264.5 (MANE Select); coding-DNA position 3650, G replaced by C.
Protein change: p.Gly1217Ala; replaces glycine 1217 with alanine.
Molecular consequence: missense variant. On other transcripts: non-coding transcript variant (1).
Genome position (GRCh38, 1-based): chr9:95,449,223, C>G on the plus strand (G>C on the coding strand, the complement: PTCH1 is on the minus strand). VCF-style: chr9-95449223-C-G. GRCh37 (hg19) VCF-style: chr9-98211505-C-G.
Other names: c.3452G>C, p.Gly1151Ala (NM_001083602.3); c.3647G>C, p.Gly1216Ala (NM_001083603.3); c.3197G>C, p.Gly1066Ala (NM_001083604.3, NM_001083605.3, NM_001083606.3 and 1 more transcripts); c.3494G>C, p.Gly1165Ala (NM_001354918.2); short protein forms G1066A, G1151A, G1165A, G1216A, G1217A.
Identifiers: ClinVar variation 2087489 (VCV002087489.4), dbSNP rs759967074, ClinGen allele CA374111221.

ClinVar aggregate classification (germline): Uncertain significance (1 of 4 stars; one submission).

Conditions:
Gorlin syndrome. Also called: Basal cell nevus syndrome; Nevoid Basal Cell Carcinoma Syndrome. Identifiers: Orphanet 377, MedGen C0004779, MONDO:0007187.

Submission:

Labcorp Genetics (formerly Invitae), Labcorp
Classification: Uncertain significance for Gorlin syndrome. Last evaluated: 2022-01-18. Review status: criteria provided, single submitter. Criteria: Invitae Variant Classification Sherloc (09022015). Collection method: clinical testing. Allele origin: germline.
Comment: Advanced modeling of protein sequence and biophysical properties (such as structural, functional, and spatial information, amino acid conservation, physicochemical variation, residue mobility, and thermodynamic stability) performed at Invitae indicates that this missense variant is not expected to disrupt PTCH1 protein function. This variant has not been reported in the literature in individuals affected with PTCH1-related conditions. This variant is not present in population databases (gnomAD no frequency). This sequence change replaces glycine, which is neutral and non-polar, with alanine, which is neutral and non-polar, at codon 1217 of the PTCH1 protein (p.Gly1217Ala). In summary, the available evidence is currently insufficient to determine the role of this variant in disease. Therefore, it has been classified as a Variant of Uncertain Significance.